The following is an entry in ClinVar:

NM_000238.4(KCNH2):c.327G>A (p.Leu109=)

Gene: KCNH2 (potassium voltage-gated channel subfamily H member 2; minus strand). Cytogenetic location: 7q36.1.
Variant type: single nucleotide variant.
Coding change: c.327G>A on transcript NM_000238.4 (MANE Select); coding-DNA position 327, G replaced by A.
Protein change: p.Leu109=; no amino-acid change (leucine 109 retained).
Molecular consequence: synonymous variant. On other transcripts: non-coding transcript variant (1).
Genome position (GRCh38, 1-based): chr7:150,959,717, C>T on the plus strand (G>A on the coding strand, the complement: KCNH2 is on the minus strand). VCF-style: chr7-150959717-C-T. GRCh37 (hg19) VCF-style: chr7-150656805-C-T.
Other names: c.39G>A, p.Leu13= (NM_001406753.1, NM_001406756.1); c.150G>A, p.Leu50= (NM_001406755.1); c.27G>A, p.Leu9= (NM_001406757.1); c.327G>A, p.Leu109= (NM_172056.3).
Identifiers: ClinVar variation 3073428 (VCV003073428.3), dbSNP rs2486101587, ClinGen allele CA458646987.

ClinVar aggregate classification (germline): Likely benign. Review status: criteria provided, multiple submitters, no conflicts (2 of 4 stars). 2 submissions from 2 submitters: Likely benign (2). Last evaluated 2024-07-19.

Conditions:
Long QT syndrome (LQTS). Identifiers: MedGen C0023976, MeSH D008133, MONDO:0002442. Disease mechanism: loss of function. Inheritance: Various modes of inheritance.

Allele frequency attached by ClinVar (database versions not stated): gnomAD exomes below 0.00001.
gnomAD v4.1: 2 of 1,614,202 alleles (0.00012%); highest among the groups gnomAD compares: Non-Finnish European, 0.00017%; no homozygotes.

Submissions (2):

Labcorp Genetics (formerly Invitae), Labcorp
Classification: Likely benign for Long QT syndrome. Last evaluated: 2024-07-19. Review status: criteria provided, single submitter. Criteria: Invitae Variant Classification Sherloc (09022015). Collection method: clinical testing. Allele origin: germline.

All of Us Research Program, National Institutes of Health
Classification: Likely benign for Long QT syndrome. Last evaluated: 2023-09-17. Review status: criteria provided, single submitter. Criteria: ACMG Guidelines, 2015. Collection method: clinical testing. Allele origin: germline. Inheritance: Autosomal dominant inheritance. Observed: 1 variant allele, 1 heterozygote.
Comment: This study involves interpretation of variants in research participants for the purpose of population health screening. Participant phenotype was not available at the time of variant classification. Additional details can be found in publication PMID: 35346344, PMCID: PMC8962531